The following is an entry in ClinVar:

ClinVar aggregate classification (germline): Uncertain significance. Review status: criteria provided, multiple submitters, no conflicts (2 of 4 stars). 3 submissions from 3 submitters: Uncertain significance (3). Last evaluated 2025-10-01.

Conditions:
Hereditary cancer-predisposing syndrome. Also called: Hereditary Cancer Syndrome; Tumor predisposition; Hereditary neoplastic syndrome; Neoplastic Syndromes, Hereditary. Identifiers: Orphanet 140162, MedGen C0027672, MeSH D009386, MONDO:0015356.
Retinoblastoma (RB1). Also called: RETINOBLASTOMA, SOMATIC. Identifiers: Orphanet 790, MedGen C0035335, MeSH D012175, MONDO:0008380, OMIM 180200, HP:0009919. Disease mechanism: loss of function. Inheritance: Both sporadic and heritable forms are tested..

Submissions (3):

Labcorp Genetics (formerly Invitae), Labcorp
Classification: Uncertain significance for Retinoblastoma. Last evaluated: 2025-10-01. Review status: criteria provided, single submitter. Criteria: Invitae Variant Classification Sherloc (09022015). Collection method: clinical testing. Allele origin: germline.
Comment: This sequence change replaces methionine, which is neutral and non-polar, with isoleucine, which is neutral and non-polar, at codon 233 of the RB1 protein (p.Met233Ile). This variant is not present in population databases (gnomAD no frequency). This variant has not been reported in the literature in individuals affected with RB1-related conditions. ClinVar contains an entry for this variant (Variation ID: 1043349). Invitae Evidence Modeling of protein sequence and biophysical properties (such as structural, functional, and spatial information, amino acid conservation, physicochemical variation, residue mobility, and thermodynamic stability) indicates that this missense variant is not expected to disrupt RB1 protein function with a negative predictive value of 80%. In summary, the available evidence is currently insufficient to determine the role of this variant in disease. Therefore, it has been classified as a Variant of Uncertain Significance.

Color Diagnostics, LLC DBA Color Health
Classification: Uncertain significance for Retinoblastoma. Last evaluated: 2025-06-23. Review status: criteria provided, single submitter. Criteria: ACMG Guidelines, 2015. Collection method: clinical testing. Allele origin: germline.
Comment: This missense variant replaces methionine with isoleucine at codon 233 of the RB1 protein. Computational prediction suggests that this variant may not impact protein structure and function. To our knowledge, functional studies have not been reported for this variant. This variant has not been reported in individuals affected with RB1-related disorders in the literature. This variant has not been identified in the general population by the Genome Aggregation Database (gnomAD). The available evidence is insufficient to determine the role of this variant in disease conclusively. Therefore, this variant is classified as a Variant of Uncertain Significance.

Ambry Genetics
Classification: Uncertain significance for Hereditary cancer-predisposing syndrome. Last evaluated: 2025-01-30. Review status: criteria provided, single submitter. Criteria: Ambry Variant Classification Scheme 2023. Collection method: clinical testing. Allele origin: germline.
Comment: The p.M233I variant (also known as c.699G>A), located in coding exon 7 of the RB1 gene, results from a G to A substitution at nucleotide position 699. The methionine at codon 233 is replaced by isoleucine, an amino acid with highly similar properties. This amino acid position is not well conserved in available vertebrate species. In addition, this alteration is predicted to be tolerated by in silico analysis. Since supporting evidence is limited at this time, the clinical significance of this alteration remains unclear.

NM_000321.3(RB1):c.699G>A (p.Met233Ile)

Gene: RB1 (RB transcriptional corepressor 1; plus strand). Cytogenetic location: 13q14.2.
Variant type: single nucleotide variant.
Coding change: c.699G>A on transcript NM_000321.3 (MANE Select); coding-DNA position 699, G replaced by A.
Protein change: p.Met233Ile; replaces methionine 233 with isoleucine.
Molecular consequence: missense variant.
Genome position (GRCh38, 1-based): chr13:48,360,108, G>A. VCF-style: chr13-48360108-G-A. GRCh37 (hg19) VCF-style: chr13-48934244-G-A.
Other names: c.699G>A (NM_000321.2); short protein forms M233I.
Identifiers: ClinVar variation 1043349 (VCV001043349.11), dbSNP rs1952626050, ClinGen allele CA388158552.